The following is an entry in ClinVar:

NM_004064.5(CDKN1B):c.298A>G (p.Lys100Glu)

Gene: CDKN1B (cyclin dependent kinase inhibitor 1B; plus strand). Cytogenetic location: 12p13.1.
Variant type: single nucleotide variant.
Coding change: c.298A>G on transcript NM_004064.5 (MANE Select); coding-DNA position 298, A replaced by G.
Protein change: p.Lys100Glu; replaces lysine 100 with glutamic acid.
Molecular consequence: missense variant.
Genome position (GRCh38, 1-based): chr12:12,718,137, A>G. VCF-style: chr12-12718137-A-G. GRCh37 (hg19) VCF-style: chr12-12871071-A-G.
Other names: c.298A>G (NM_004064.3); short protein forms K100E.
Identifiers: ClinVar variation 1498379 (VCV001498379.9), dbSNP rs1946494434, ClinGen allele CA383970111.

ClinVar aggregate classification (germline): Uncertain significance. Review status: criteria provided, multiple submitters, no conflicts (2 of 4 stars). 2 submissions from 2 submitters: Uncertain significance (2). Last evaluated 2025-10-29.

Conditions:
Hereditary cancer-predisposing syndrome. Also called: Tumor predisposition; Hereditary neoplastic syndrome; Neoplastic Syndromes, Hereditary; Hereditary Cancer Syndrome. Identifiers: Orphanet 140162, MedGen C0027672, MeSH D009386, MONDO:0015356.
Multiple endocrine neoplasia type 4. Also called: MULTIPLE ENDOCRINE NEOPLASIA, TYPE IV. Identifiers: Orphanet 276152, MedGen C1970712, MONDO:0012552, OMIM 610755.

Submissions (2):

Ambry Genetics
Classification: Uncertain significance for Hereditary cancer-predisposing syndrome. Last evaluated: 2025-10-29. Review status: criteria provided, single submitter. Criteria: Ambry Variant Classification Scheme 2023. Collection method: clinical testing. Allele origin: germline.
Comment: The p.K100E variant (also known as c.298A>G), located in coding exon 1 of the CDKN1B gene, results from an A to G substitution at nucleotide position 298. The lysine at codon 100 is replaced by glutamic acid, an amino acid with similar properties. This amino acid position is conserved. In addition, this alteration is predicted to be tolerated by in silico analysis. Based on the available evidence, the clinical significance of this variant remains unclear.

Labcorp Genetics (formerly Invitae), Labcorp
Classification: Uncertain significance for Multiple endocrine neoplasia type 4. Last evaluated: 2024-06-17. Review status: criteria provided, single submitter. Criteria: Invitae Variant Classification Sherloc (09022015). Collection method: clinical testing. Allele origin: germline.
Comment: This sequence change replaces lysine, which is basic and polar, with glutamic acid, which is acidic and polar, at codon 100 of the CDKN1B protein (p.Lys100Glu). This variant is not present in population databases (gnomAD no frequency). This variant has not been reported in the literature in individuals affected with CDKN1B-related conditions. ClinVar contains an entry for this variant (Variation ID: 1498379). An algorithm developed to predict the effect of missense changes on protein structure and function (PolyPhen-2) suggests that this variant is likely to be tolerated. In summary, the available evidence is currently insufficient to determine the role of this variant in disease. Therefore, it has been classified as a Variant of Uncertain Significance.